The following is an entry in ClinVar:

NM_198291.3(SRC):c.529G>A (p.Val177Met)

Gene: SRC (SRC proto-oncogene, non-receptor tyrosine kinase; plus strand). Cytogenetic location: 20q11.23.
Variant type: single nucleotide variant.
Coding change: c.529G>A on transcript NM_198291.3 (MANE Select); coding-DNA position 529, G replaced by A.
Protein change: p.Val177Met; replaces valine 177 with methionine.
Molecular consequence: missense variant.
Genome position (GRCh38, 1-based): chr20:37,394,253, G>A. VCF-style: chr20-37394253-G-A. GRCh37 (hg19) VCF-style: chr20-36022656-G-A.
Other names: c.529G>A, p.Val177Met (NM_005417.5); short protein forms V177M.
Identifiers: ClinVar variation 4988517 (VCV004988517.1).

ClinVar aggregate classification (germline): Uncertain significance (1 of 4 stars; one submission).

Conditions:
SRC-related disorder. Also called: SRC-related condition.

Submission:

PreventionGenetics, part of Exact Sciences
Classification: Uncertain significance for SRC-related condition. Last evaluated: 2025-10-24. Review status: criteria provided, single submitter. Criteria: ACMG Guidelines, 2015. Collection method: clinical testing. Allele origin: germline.
Comment: The SRC c.529G>A variant is predicted to result in the amino acid substitution p.Val177Met. To our knowledge, this variant has not been reported in the literature. This variant is reported in 0.0040% of alleles in individuals of African descent in gnomAD. At this time, the clinical significance of this variant is uncertain due to the absence of conclusive functional and genetic evidence.